The following is an entry in ClinVar:

ClinVar aggregate classification (germline): Uncertain significance. Review status: criteria provided, multiple submitters, no conflicts (2 of 4 stars). 2 submissions from 2 submitters: Uncertain significance (2). Last evaluated 2026-04-16.

Conditions:
Inborn genetic diseases. Identifiers: MedGen C0950123, MeSH D030342.

Allele frequency attached by ClinVar (database versions not stated): TOPMed below 0.00001; ExAC 0.00001; gnomAD exomes below 0.00001.

Submissions (2):

Ambry Genetics
Classification: Uncertain significance for Inborn genetic diseases. Last evaluated: 2026-04-16. Review status: criteria provided, single submitter. Criteria: Ambry Variant Classification Scheme 2023. Collection method: clinical testing. Allele origin: germline.
Comment: The c.251C>T (p.T84I) alteration is located in exon 3 (coding exon 3) of the CTR9 gene. This alteration results from a C to T substitution at nucleotide position 251, causing the threonine (T) at amino acid position 84 to be replaced by an isoleucine (I). Based on data from gnomAD, the T allele has an overall frequency of <0.001% (1/251386) total alleles studied. The highest observed frequency was 0.003% (1/34590) of Latino alleles. Based on insufficient or conflicting evidence, the clinical significance of this alteration remains unclear.

Labcorp Genetics (formerly Invitae), Labcorp
Classification: Uncertain significance. Last evaluated: 2026-01-14. Review status: criteria provided, single submitter. Criteria: Invitae Variant Classification Sherloc (09022015). Collection method: clinical testing. Allele origin: germline.
Comment: This sequence change replaces threonine, which is neutral and polar, with isoleucine, which is neutral and non-polar, at codon 84 of the CTR9 protein (p.Thr84Ile). This variant is present in population databases (rs766361424, gnomAD 0.003%). This variant has not been reported in the literature in individuals affected with CTR9-related conditions. ClinVar contains an entry for this variant (Variation ID: 2889641). An algorithm developed to predict the effect of missense changes on protein structure and function (PolyPhen-2) suggests that this variant is likely to be tolerated. In summary, the available evidence is currently insufficient to determine the role of this variant in disease. Therefore, it has been classified as a Variant of Uncertain Significance.

NM_014633.5(CTR9):c.251C>T (p.Thr84Ile)

Gene: CTR9 (CTR9 component of Paf1/RNA polymerase II complex; plus strand). Cytogenetic location: 11p15.4.
Variant type: single nucleotide variant.
Coding change: c.251C>T on transcript NM_014633.5 (MANE Select); coding-DNA position 251, C replaced by T.
Protein change: p.Thr84Ile; replaces threonine 84 with isoleucine.
Molecular consequence: missense variant.
Genome position (GRCh38, 1-based): chr11:10,755,064, C>T. VCF-style: chr11-10755064-C-T. GRCh37 (hg19) VCF-style: chr11-10776611-C-T.
Other names: c.251C>T (NM_014633.3); c.251C>T, p.Thr84Ile (NM_001346279.2); short protein forms T84I.
Identifiers: ClinVar variation 2889641 (VCV002889641.4), dbSNP rs766361424, ClinGen allele CA5884822.